The following is an entry in ClinVar:

NM_014264.5(PLK4):c.2294T>A (p.Ile765Lys)

Gene: PLK4 (polo like kinase 4; plus strand). Cytogenetic location: 4q28.1.
Variant type: single nucleotide variant.
Coding change: c.2294T>A on transcript NM_014264.5 (MANE Select); coding-DNA position 2294, T replaced by A.
Protein change: p.Ile765Lys; replaces isoleucine 765 with lysine.
Molecular consequence: missense variant.
Genome position (GRCh38, 1-based): chr4:127,893,390, T>A. VCF-style: chr4-127893390-T-A. GRCh37 (hg19) VCF-style: chr4-128814545-T-A.
Other names: c.2198T>A, p.Ile733Lys (NM_001190799.2); c.2171T>A, p.Ile724Lys (NM_001190801.2); short protein forms I733K, I724K, I765K.
Identifiers: ClinVar variation 1911647 (VCV001911647.3), dbSNP rs753271817, ClinGen allele CA3077008.

ClinVar aggregate classification (germline): Uncertain significance (1 of 4 stars; one submission).

Allele frequency attached by ClinVar (database versions not stated): gnomAD exomes below 0.00001; gnomAD 0.00001; ExAC 0.00002.
gnomAD v4.1: 8 of 1,608,212 alleles (0.0005%); highest among the groups gnomAD compares: Middle Eastern, 0.016%; no homozygotes.

Submission:

Labcorp Genetics (formerly Invitae), Labcorp
Classification: Uncertain significance. Last evaluated: 2022-05-08. Review status: criteria provided, single submitter. Criteria: Invitae Variant Classification Sherloc (09022015). Collection method: clinical testing. Allele origin: germline.
Comment: Algorithms developed to predict the effect of missense changes on protein structure and function are either unavailable or do not agree on the potential impact of this missense change (SIFT: "Deleterious"; PolyPhen-2: "Benign"; Align-GVGD: "Class C0"). This sequence change replaces isoleucine, which is neutral and non-polar, with lysine, which is basic and polar, at codon 765 of the PLK4 protein (p.Ile765Lys). This variant is present in population databases (rs753271817, gnomAD 0.003%). This variant has not been reported in the literature in individuals affected with PLK4-related conditions. In summary, the available evidence is currently insufficient to determine the role of this variant in disease. Therefore, it has been classified as a Variant of Uncertain Significance.